The following is an entry in ClinVar:

NM_001040108.2(MLH3):c.3790G>A (p.Glu1264Lys)

Gene: MLH3 (mutL homolog 3; minus strand). Cytogenetic location: 14q24.3.
Variant type: single nucleotide variant.
Coding change: c.3790G>A on transcript NM_001040108.2 (MANE Select); coding-DNA position 3790, G replaced by A.
Protein change: p.Glu1264Lys; replaces glutamic acid 1264 with lysine.
Molecular consequence: missense variant.
Genome position (GRCh38, 1-based): chr14:75,032,105, C>T on the plus strand (G>A on the coding strand, the complement: MLH3 is on the minus strand). VCF-style: chr14-75032105-C-T. GRCh37 (hg19) VCF-style: chr14-75498808-C-T.
Other names: c.3718G>A, p.Glu1240Lys (NM_014381.3); short protein forms E1264K, E1240K.
Identifiers: ClinVar variation 577451 (VCV000577451.9), dbSNP rs760000437, ClinGen allele CA7275324.

ClinVar aggregate classification (germline): Uncertain significance. Review status: criteria provided, multiple submitters, no conflicts (2 of 4 stars). 2 submissions from 2 submitters: Uncertain significance (2). Last evaluated 2025-01-20.

Conditions:
Colorectal cancer, hereditary nonpolyposis, type 7. Identifiers: Orphanet 144, MedGen C1858380, MONDO:0013725, OMIM 614385.

Allele frequency attached by ClinVar (database versions not stated): gnomAD exomes below 0.00001; ExAC 0.00001.

Submissions (2):

Ambry Genetics
Classification: Uncertain significance. Last evaluated: 2025-01-20. Review status: criteria provided, single submitter. Criteria: Ambry Variant Classification Scheme 2023. Collection method: clinical testing. Allele origin: germline.
Comment: The p.E1264K variant (also known as c.3790G>A), located in coding exon 7 of the MLH3 gene, results from a G to A substitution at nucleotide position 3790. The glutamic acid at codon 1264 is replaced by lysine, an amino acid with similar properties. This amino acid position is conserved. In addition, this alteration is predicted to be tolerated by in silico analysis. Based on the available evidence, the clinical significance of this variant remains unclear.

Labcorp Genetics (formerly Invitae), Labcorp
Classification: Uncertain significance for Colorectal cancer, hereditary nonpolyposis, type 7. Last evaluated: 2018-03-20. Review status: criteria provided, single submitter. Criteria: Invitae Variant Classification Sherloc (09022015). Collection method: clinical testing. Allele origin: germline.
Comment: This sequence change replaces glutamic acid with lysine at codon 1264 of the MLH3 protein (p.Glu1264Lys). The glutamic acid residue is moderately conserved and there is a small physicochemical difference between glutamic acid and lysine. This variant is present in population databases (rs760000437, ExAC 0.001%). This variant has not been reported in the literature in individuals with MLH3-related disease. Algorithms developed to predict the effect of missense changes on protein structure and function output the following: SIFT: "Tolerated"; PolyPhen-2: "Benign"; Align-GVGD: "Class C0". The lysine amino acid residue is found in multiple mammalian species, suggesting that this missense change does not adversely affect protein function. These predictions have not been confirmed by published functional studies and their clinical significance is uncertain. In summary, the available evidence is currently insufficient to determine the role of this variant in disease. Therefore, it has been classified as a Variant of Uncertain Significance.